The following is an entry in ClinVar:

NM_000059.4(BRCA2):c.516+3A>T

Gene: BRCA2 (BRCA2 DNA repair associated; plus strand). Cytogenetic location: 13q13.1.
Variant type: single nucleotide variant.
Coding change: c.516+3A>T on transcript NM_000059.4 (MANE Select); 3 bases into the intron after coding-DNA position 516, A replaced by T.
Molecular consequence: intron variant.
Genome position (GRCh38, 1-based): chr13:32,326,285, A>T. VCF-style: chr13-32326285-A-T. GRCh37 (hg19) VCF-style: chr13-32900422-A-T.
Identifiers: ClinVar variation 825492 (VCV000825492.5), dbSNP rs1555281001, ClinGen allele CA915946939.

ClinVar aggregate classification (germline): Uncertain significance (1 of 4 stars; one submission).

Conditions:
Hereditary cancer-predisposing syndrome. Also called: Hereditary Cancer Syndrome; Tumor predisposition; Neoplastic Syndromes, Hereditary; Hereditary neoplastic syndrome. Identifiers: Orphanet 140162, MedGen C0027672, MeSH D009386, MONDO:0015356.

Submission:

Ambry Genetics
Classification: Uncertain significance for Hereditary cancer-predisposing syndrome. Last evaluated: 2026-02-05. Review status: criteria provided, single submitter. Criteria: Ambry Variant Classification Scheme 2023. Collection method: clinical testing. Allele origin: germline.
Comment: The c.516+3A>T intronic variant results from an A to T substitution 3 nucleotides after coding exon 5 in the BRCA2 gene. This nucleotide position is highly conserved in available vertebrate species. In silico splice site analysis predicts that this alteration will weaken the native splice donor site. Based on the available evidence, the clinical significance of this variant remains unclear.